The following is an entry in ClinVar:

NM_000218.3(KCNQ1):c.1696T>C (p.Ser566Pro)

Gene: KCNQ1 (potassium voltage-gated channel subfamily Q member 1; plus strand). Cytogenetic location: 11p15.5.
Variant type: single nucleotide variant.
Coding change: c.1696T>C on transcript NM_000218.3 (MANE Select); coding-DNA position 1696, T replaced by C.
Protein change: p.Ser566Pro; replaces serine 566 with proline.
Molecular consequence: missense variant.
Genome position (GRCh38, 1-based): chr11:2,776,996, T>C. VCF-style: chr11-2776996-T-C. GRCh37 (hg19) VCF-style: chr11-2798226-T-C.
Other names: c.1696T>C (LRG_287t1); c.1600T>C, p.Ser534Pro (NM_001406836.1); c.1426T>C, p.Ser476Pro (NM_001406837.1); c.1156T>C, p.Ser386Pro (NM_001406838.1); c.1315T>C, p.Ser439Pro (NM_181798.2); short protein forms S566P, S439P, S386P, S534P, S476P.
Identifiers: ClinVar variation 67049 (VCV000067049.3), dbSNP rs199472803, ClinGen allele CA006200.

ClinVar aggregate classification (germline): not provided (0 of 4 stars; one submission).

Conditions:
Familial long QT syndrome (RWS). Also called: Congenital long QT syndrome; Romano-Ward syndrome; VENTRICULAR FIBRILLATION WITH PROLONGED QT INTERVAL. Identifiers: Orphanet 768, MedGen C1141890, MONDO:0019171.

Submission:

Cardiovascular Biomedical Research Unit, Royal Brompton & Harefield NHS Foundation Trust
No classification provided. Condition: Familial long QT syndrome. Review status: no classification provided. Collection method: literature only. Allele origin: germline.
Comment: This variant has been reported as associated with Long QT syndrome in the following publications (PMID:19716085). This is a literature report, and does not necessarily reflect the clinical interpretation of the Imperial College / Royal Brompton Cardiovascular Genetics laboratory.

Literature cited by the submitters: PubMed 19716085; PubMed 22581653.